The following is an entry in ClinVar:

ClinVar aggregate classification (germline): Pathogenic/Likely pathogenic. Review status: criteria provided, multiple submitters, no conflicts (2 of 4 stars). 4 submissions from 4 submitters: Pathogenic (2); Likely pathogenic (2). Last evaluated 2026-08-01.

Conditions:
Long QT syndrome (LQTS). Identifiers: MedGen C0023976, MeSH D008133, MONDO:0002442. Disease mechanism: loss of function. Inheritance: Various modes of inheritance.
Long QT syndrome 1 (LQT1). Identifiers: Orphanet 101016, Orphanet 768, MedGen C4551647, MONDO:0100316, OMIM 192500, MONDO:0008646.

Submissions (4):

CeGaT Center for Human Genetics Tuebingen
Classification: Likely pathogenic. Last evaluated: 2026-08-01. Review status: criteria provided, single submitter. Criteria: CeGaT Center For Human Genetics Tuebingen Variant Classification Criteria Version 2. Collection method: clinical testing. Allele origin: germline. Affected: yes. Observed: 1 variant allele.
Comment: KCNQ1: PM1, PM2, PM5, PS3:Supporting, PS4:Supporting

GeneDx
Classification: Pathogenic. Last evaluated: 2024-03-19. Review status: criteria provided, single submitter. Criteria: GeneDx Variant Classification Process June 2021. Collection method: clinical testing. Allele origin: germline. Affected: yes.
Comment: Functional studies showed this variant results in trafficking defects and significantly reduced of channel function (PMID: 29532034, 30571187); Not observed at significant frequency in large population cohorts (gnomAD); In silico analysis supports that this missense variant has a deleterious effect on protein structure/function; This variant is associated with the following publications: (PMID: 21956039, 29532034, 30571187)

Labcorp Genetics (formerly Invitae), Labcorp
Classification: Likely pathogenic for Long QT syndrome. Last evaluated: 2023-08-03. Review status: criteria provided, single submitter. Criteria: Invitae Variant Classification Sherloc (09022015). Collection method: clinical testing. Allele origin: germline.
Comment: Advanced modeling of protein sequence and biophysical properties (such as structural, functional, and spatial information, amino acid conservation, physicochemical variation, residue mobility, and thermodynamic stability) performed at Invitae indicates that this missense variant is expected to disrupt KCNQ1 protein function. Experimental studies have shown that this missense change affects KCNQ1 function (PMID: 29532034, 30571187). This variant disrupts the p.Arg174 amino acid residue in KCNQ1. Other variant(s) that disrupt this residue have been determined to be pathogenic (PMID: 9386136, 14998624, 23130128, 23392653, 29532034). This suggests that this residue is clinically significant, and that variants that disrupt this residue are likely to be disease-causing. In summary, the currently available evidence indicates that the variant is pathogenic, but additional data are needed to prove that conclusively. Therefore, this variant has been classified as Likely Pathogenic. ClinVar contains an entry for this variant (Variation ID: 200814). This sequence change replaces arginine, which is basic and polar, with leucine, which is neutral and non-polar, at codon 174 of the KCNQ1 protein (p.Arg174Leu). This variant is not present in population databases (gnomAD no frequency). This missense change has been observed in individual(s) with long-QT syndrome (PMID: 21956039).

Molecular Genetics Laboratory - Cardiogenetics, CHU de Nantes
Classification: Pathogenic for Long QT syndrome 1. Last evaluated: 2023-08-01. Review status: criteria provided, single submitter. Criteria: ACMG Guidelines, 2015. Collection method: clinical testing. Allele origin: germline. Affected: yes.

Literature cited by the submitters: PubMed 29532034 (cited by Labcorp Genetics (formerly Invitae), Labcorp); PubMed 30571187 (cited by Labcorp Genetics (formerly Invitae), Labcorp); PubMed 9386136 (cited by Labcorp Genetics (formerly Invitae), Labcorp); PubMed 14998624 (cited by Labcorp Genetics (formerly Invitae), Labcorp); PubMed 23130128 (cited by Labcorp Genetics (formerly Invitae), Labcorp); PubMed 23392653 (cited by Labcorp Genetics (formerly Invitae), Labcorp); PubMed 21956039 (cited by Labcorp Genetics (formerly Invitae), Labcorp).

NM_000218.3(KCNQ1):c.521G>T (p.Arg174Leu)

Gene: KCNQ1 (potassium voltage-gated channel subfamily Q member 1; plus strand). Cytogenetic location: 11p15.5.
Variant type: single nucleotide variant.
Coding change: c.521G>T on transcript NM_000218.3 (MANE Select); coding-DNA position 521, G replaced by T.
Protein change: p.Arg174Leu; replaces arginine 174 with leucine.
Molecular consequence: missense variant.
Genome position (GRCh38, 1-based): chr11:2,570,671, G>T. VCF-style: chr11-2570671-G-T. GRCh37 (hg19) VCF-style: chr11-2591901-G-T.
Other names: p.R174L:CGC>CTC; c.521G>T, p.Arg174Leu (NM_001406836.1); c.251G>T, p.Arg84Leu (NM_001406837.1); c.140G>T, p.Arg47Leu (NM_181798.2); short protein forms R174L, R47L, R84L.
Identifiers: ClinVar variation 200814 (VCV000200814.14), dbSNP rs199472697, ClinGen allele CA007345.